The following is an entry in ClinVar:

NM_000289.6(PFKM):c.427G>A (p.Gly143Ser)

Gene: PFKM (phosphofructokinase, muscle; plus strand). Cytogenetic location: 12q13.11.
Variant type: single nucleotide variant.
Coding change: c.427G>A on transcript NM_000289.6 (MANE Select); coding-DNA position 427, G replaced by A.
Protein change: p.Gly143Ser; replaces glycine 143 with serine.
Molecular consequence: missense variant. On other transcripts: non-coding transcript variant (6).
Genome position (GRCh38, 1-based): chr12:48,133,057, G>A. VCF-style: chr12-48133057-G-A. GRCh37 (hg19) VCF-style: chr12-48526840-G-A.
Other names: c.640G>A, p.Gly214Ser (NM_001166686.2, NM_001354737.1, NM_001354738.1 and 1 more transcripts); c.427G>A, p.Gly143Ser (NM_001166687.2, NM_001166688.2, NM_001354742.2 and 4 more transcripts); c.736G>A, p.Gly246Ser (NM_001354735.1, NM_001354736.1); c.571G>A, p.Gly191Ser (NM_001354740.1); c.451G>A, p.Gly151Ser (NM_001354741.2); c.340G>A, p.Gly114Ser (NM_001354745.2); c.277G>A, p.Gly93Ser (NM_001354747.2, NM_001354748.2); short protein forms G114S, G151S, G191S, G246S, G214S, G93S, G143S.
Identifiers: ClinVar variation 2707349 (VCV002707349.3), dbSNP rs1221162973, ClinGen allele CA384542651.

ClinVar aggregate classification (germline): Uncertain significance (1 of 4 stars; one submission).

Conditions:
Glycogen storage disease, type VII (GSD7). Also called: GSD VII; MUSCLE PHOSPHOFRUCTOKINASE DEFICIENCY; PFKM DEFICIENCY; TARUI DISEASE. Identifiers: Orphanet 371, MedGen C0017926, MONDO:0009295, OMIM 232800.

Allele frequency attached by ClinVar (database versions not stated): gnomAD exomes 0.00001.
gnomAD v4.1: 5 of 1,613,960 alleles (0.00031%); highest among the groups gnomAD compares: East Asian, 0.0067%; no homozygotes.

Submission:

Labcorp Genetics (formerly Invitae), Labcorp
Classification: Uncertain significance for Glycogen storage disease, type VII. Last evaluated: 2023-12-20. Review status: criteria provided, single submitter. Criteria: Invitae Variant Classification Sherloc (09022015). Collection method: clinical testing. Allele origin: germline.
Comment: This sequence change replaces glycine, which is neutral and non-polar, with serine, which is neutral and polar, at codon 143 of the PFKM protein (p.Gly143Ser). This variant also falls at the last nucleotide of exon 5, which is part of the consensus splice site for this exon. This variant is present in population databases (no rsID available, gnomAD 0.01%). This variant has not been reported in the literature in individuals affected with PFKM-related conditions. An algorithm developed to predict the effect of missense changes on protein structure and function (PolyPhen-2) suggests that this variant is likely to be disruptive. Variants that disrupt the consensus splice site are a relatively common cause of aberrant splicing (PMID: 17576681, 9536098). In summary, the available evidence is currently insufficient to determine the role of this variant in disease. Therefore, it has been classified as a Variant of Uncertain Significance.

Literature cited by the submitters: PubMed 17576681; PubMed 9536098.